The following is an entry in ClinVar:

NM_001135649.3(FOXI3):c.483G>T (p.Ala161=)

Gene: FOXI3 (forkhead box I3; minus strand). Cytogenetic location: 2p11.2.
Variant type: single nucleotide variant.
Coding change: c.483G>T on transcript NM_001135649.3 (MANE Select); coding-DNA position 483, G replaced by T.
Protein change: p.Ala161=; no amino-acid change (alanine 161 retained).
Molecular consequence: synonymous variant.
Genome position (GRCh38, 1-based): chr2:88,452,053, C>A on the plus strand (G>T on the coding strand, the complement: FOXI3 is on the minus strand). VCF-style: chr2-88452053-C-A. GRCh37 (hg19) VCF-style: chr2-88751572-C-A.
Identifiers: ClinVar variation 2651108 (VCV002651108.24), dbSNP rs748354978, ClinGen allele CA1754034.
Genomic context (GRCh38, chr2:88,452,053, plus strand): 5'-GAAGGGGAAGCTATCGGCGACGAACTGGTAGATGTGGCTGAGAGTGAGTTTGCGCTCGGG[C>A]GCGCTCTGAATGGCCATGGCGATGAGCGCCGAATACGAGTAGGGCGGCCGCACCATCTTC-3'
Protein context (NP_001129121.1, residues 151-171): SALIAMAIQS[Ala161=]PERKLTLSHI

ClinVar aggregate classification (germline): Likely benign (1 of 4 stars; one submission).

Allele frequency attached by ClinVar (database versions not stated): gnomAD 0.00001; gnomAD exomes 0.00001; ExAC 0.00004.
gnomAD v4.1: 8 of 1,590,240 alleles (0.0005%); highest among the groups gnomAD compares: Middle Eastern, 0.033%; no homozygotes.

Submission:

CeGaT Center for Human Genetics Tuebingen
Classification: Likely benign. Last evaluated: 2023-04-01. Review status: criteria provided, single submitter. Criteria: CeGaT Center For Human Genetics Tuebingen Variant Classification Criteria Version 2. Collection method: clinical testing. Allele origin: germline. Affected: yes. Observed: 1 variant allele.
Comment: FOXI3: BP4, BP7